The following is an entry in ClinVar:

ClinVar aggregate classification (germline): Likely benign (1 of 4 stars; one submission).

Conditions:
Retinitis pigmentosa (RP). Identifiers: Orphanet 791, MedGen C0035334, MeSH D012174, MONDO:0019200, OMIM 268000. Inheritance: Autosomal dominant, autosomal recessive and X linked inheritance.

Allele frequency attached by ClinVar (database versions not stated): ExAC below 0.00001; gnomAD 0.00001; gnomAD exomes 0.00001; TOPMed 0.00001; 1000 Genomes Project 30x 0.00031; 1000 Genomes Project 0.00040.
gnomAD v4.1: 14 of 1,608,664 alleles (0.00087%); highest among the groups gnomAD compares: South Asian, 0.016%; no homozygotes.

Submission:

Illumina Laboratory Services, Illumina
Classification: Likely benign for Retinitis pigmentosa. Last evaluated: 2018-01-13. Review status: criteria provided, single submitter. Criteria: ICSL Variant Classification Criteria 13 December 2019. Collection method: clinical testing. Allele origin: germline.
Comment: This variant was observed in the ICSL laboratory as part of a predisposition screen in an ostensibly healthy population. It had not been previously curated by ICSL or reported in the Human Gene Mutation Database (HGMD: prior to June 1st, 2018), and was therefore a candidate for classification through an automated scoring system. Utilizing variant allele frequency, disease prevalence and penetrance estimates, and inheritance mode, an automated score was calculated to assess if this variant is too frequent to cause the disease. Based on the score and internal cut-off values, a variant classified as likely benign is not then subjected to further curation. The score for this variant resulted in a classification of likely benign for this disease.

NM_001031710.3(KLHL7):c.-16A>G

Gene: KLHL7 (kelch like family member 7; plus strand). Cytogenetic location: 7p15.3.
Variant type: single nucleotide variant.
Coding change: c.-16A>G on transcript NM_001031710.3 (MANE Select); 16 bases upstream of the start codon, A replaced by G.
Molecular consequence: 5 prime UTR variant. On other transcripts: non-coding transcript variant (2).
Genome position (GRCh38, 1-based): chr7:23,106,011, A>G. VCF-style: chr7-23106011-A-G. GRCh37 (hg19) VCF-style: chr7-23145630-A-G.
Other names: c.-16A>G (NM_001172428.2).
Identifiers: ClinVar variation 359796 (VCV000359796.5), dbSNP rs563311203, ClinGen allele CA4186208.
Genomic context (GRCh38, chr7:23,106,011, plus strand): 5'-AATCCCCAGTGTGCCCAGAGAGTGCGACCCCTCGCCCGGCCCGGCGAGCCCCGGGCGTGA[A>G]CCGAGCTGAGGGAGGATGGCAGCCTCTGGGGTGGAGAAGAGCAGCAAGAAGAAGACCGAG-3'